The following is an entry in ClinVar:

NM_001163435.3(TBCK):c.1181A>T (p.Asp394Val)

Gene: TBCK (TBC1 domain containing kinase; minus strand). Cytogenetic location: 4q24.
Variant type: single nucleotide variant.
Coding change: c.1181A>T on transcript NM_001163435.3 (MANE Select); coding-DNA position 1181, A replaced by T.
Protein change: p.Asp394Val; replaces aspartic acid 394 with valine.
Molecular consequence: missense variant.
Genome position (GRCh38, 1-based): chr4:106,236,798, T>A on the plus strand (A>T on the coding strand, the complement: TBCK is on the minus strand). VCF-style: chr4-106236798-T-A. GRCh37 (hg19) VCF-style: chr4-107157955-T-A.
Other names: c.1181A>T, p.Asp394Val (NM_001163436.4); c.1064A>T, p.Asp355Val (NM_001163437.3); c.665A>T, p.Asp222Val (NM_001290768.2); c.992A>T, p.Asp331Val (NM_033115.5); short protein forms D222V, D331V, D355V, D394V.
Identifiers: ClinVar variation 4698377 (VCV004698377.1).

ClinVar aggregate classification (germline): Uncertain significance (1 of 4 stars; one submission).

gnomAD v4.1: 2 of 1,513,304 alleles (0.00013%); highest among the groups gnomAD compares: African/African-American, 0.0014%; no homozygotes.

Submission:

Labcorp Genetics (formerly Invitae), Labcorp
Classification: Uncertain significance. Last evaluated: 2025-06-18. Review status: criteria provided, single submitter. Criteria: Invitae Variant Classification Sherloc (09022015). Collection method: clinical testing. Allele origin: germline.
Comment: This sequence change replaces aspartic acid, which is acidic and polar, with valine, which is neutral and non-polar, at codon 394 of the TBCK protein (p.Asp394Val). This variant is not present in population databases (gnomAD no frequency). This variant has not been reported in the literature in individuals affected with TBCK-related conditions. Invitae Evidence Modeling of protein sequence and biophysical properties (such as structural, functional, and spatial information, amino acid conservation, physicochemical variation, residue mobility, and thermodynamic stability) indicates that this missense variant is not expected to disrupt TBCK protein function with a negative predictive value of 80%. In summary, the available evidence is currently insufficient to determine the role of this variant in disease. Therefore, it has been classified as a Variant of Uncertain Significance.